The following is an entry in ClinVar:

NM_001903.5(CTNNA1):c.1151A>C (p.Lys384Thr)

Gene: CTNNA1 (catenin alpha 1; plus strand). Cytogenetic location: 5q31.2.
Variant type: single nucleotide variant.
Coding change: c.1151A>C on transcript NM_001903.5 (MANE Select); coding-DNA position 1151, A replaced by C.
Protein change: p.Lys384Thr; replaces lysine 384 with threonine.
Molecular consequence: missense variant. On other transcripts: 5 prime UTR variant (5), intron variant (2).
Genome position (GRCh38, 1-based): chr5:138,887,497, A>C. VCF-style: chr5-138887497-A-C. GRCh37 (hg19) VCF-style: chr5-138223186-A-C.
Other names: c.1151A>C, p.Lys384Thr (NM_001290307.3, NM_001323982.2, NM_001323983.1 and 3 more transcripts); c.842A>C, p.Lys281Thr (NM_001290309.3); c.782A>C, p.Lys261Thr (NM_001290310.3); c.41A>C, p.Lys14Thr (NM_001290312.1, NM_001323987.1, NM_001323988.1 and 18 more transcripts); c.-357A>C (NM_001324006.1, NM_001324007.1, NM_001324008.1 and 1 more transcripts); c.-232A>C (NM_001324013.1); c.-58+11900A>C (NM_001324012.1); c.-61+11900A>C (NM_001324010.1); short protein forms K384T, K261T, K281T, K14T.
Identifiers: ClinVar variation 1501902 (VCV001501902.8), dbSNP rs2150032027, ClinGen allele CA361132903.
Genomic context (GRCh38, chr5:138,887,497, plus strand): 5'-TTTAATACCTTTTTGGTAGAAATAAAATCAAATTTTTACAATTTAATCATTAGCTCCGCA[A>C]AGCTGTCATGGACCACGTTTCAGATTCTTTCCTGGAAACCAATGTTCCACTTTTGGTATT-3'
Protein context (NP_001894.2, residues 374-394): KTRDLRRQLR[Lys384Thr]AVMDHVSDSF

ClinVar aggregate classification (germline): Uncertain significance (1 of 4 stars; one submission).

Submission:

Labcorp Genetics (formerly Invitae), Labcorp
Classification: Uncertain significance. Last evaluated: 2023-12-06. Review status: criteria provided, single submitter. Criteria: Invitae Variant Classification Sherloc (09022015). Collection method: clinical testing. Allele origin: germline.
Comment: This sequence change replaces lysine, which is basic and polar, with threonine, which is neutral and polar, at codon 384 of the CTNNA1 protein (p.Lys384Thr). This variant is not present in population databases (gnomAD no frequency). This variant has not been reported in the literature in individuals affected with CTNNA1-related conditions. ClinVar contains an entry for this variant (Variation ID: 1501902). Advanced modeling of protein sequence and biophysical properties (such as structural, functional, and spatial information, amino acid conservation, physicochemical variation, residue mobility, and thermodynamic stability) performed at Invitae indicates that this missense variant is expected to disrupt CTNNA1 protein function with a positive predictive value of 80%. In summary, the available evidence is currently insufficient to determine the role of this variant in disease. Therefore, it has been classified as a Variant of Uncertain Significance.